The following is an entry in ClinVar:

ClinVar aggregate classification (germline): Benign. Review status: criteria provided, multiple submitters, no conflicts (2 of 4 stars). 2 submissions from 2 submitters: Benign (2). Last evaluated 2018-06-16.

Allele frequency attached by ClinVar (database versions not stated): gnomAD 0.09357 and 0.09906; 1000 Genomes Project 0.10093; 1000 Genomes Project 30x 0.10614; TOPMed 0.11010.
gnomAD v4.1: 10,477 of 112,668 alleles (9.3%); highest among the groups gnomAD compares: African/African-American, 29%; 972 homozygotes.

Submissions (2):

GeneDx
Classification: Benign. Last evaluated: 2018-06-16. Review status: criteria provided, single submitter. Criteria: GeneDx Variant Classification (06012015). Collection method: clinical testing. Allele origin: germline. Affected: yes.
Comment: This variant is considered likely benign or benign based on one or more of the following criteria: it is a conservative change, it occurs at a poorly conserved position in the protein, it is predicted to be benign by multiple in silico algorithms, and/or has population frequency not consistent with disease.

Breakthrough Genomics
Classification: Benign. Review status: criteria provided, single submitter. Criteria: ACMG Guidelines, 2015. Collection method: not provided. Allele origin: germline. Inheritance: X-linked inheritance. Affected: yes.

NM_004006.3(DMD):c.10921+183A>G

Gene: DMD (dystrophin; minus strand). Cytogenetic location: Xp21.2.
Variant type: single nucleotide variant.
Coding change: c.10921+183A>G on transcript NM_004006.3 (MANE Select); 183 bases into the intron after coding-DNA position 10921, A replaced by G.
Molecular consequence: intron variant.
Genome position (GRCh38, 1-based): chrX:31,146,108, T>C on the plus strand (A>G on the coding strand, the complement: DMD is on the minus strand). VCF-style: chrX-31146108-T-C. GRCh37 (hg19) VCF-style: chrX-31164225-T-C.
Other names: c.10897+183A>G (NM_000109.4); c.6898+183A>G (NM_004011.4); c.6889+183A>G (NM_004012.4); c.3211+183A>G (NM_004023.3, NM_004020.4); c.3502+183A>G (NM_004022.3); c.3541+183A>G (NM_004021.3, NM_004013.3); c.2734+183A>G (NM_004014.3); c.1678+183A>G (NM_004018.3, NM_004017.3); and 3 more.
Identifiers: ClinVar variation 675358 (VCV000675358.2), dbSNP rs7066986, ClinGen allele CA328402754.